The following is an entry in ClinVar:

NM_018942.3(HMX1):c.551A>T (p.Glu184Val)

Gene: HMX1 (H6 family homeobox 1; minus strand). Cytogenetic location: 4p16.1.
Variant type: single nucleotide variant.
Coding change: c.551A>T on transcript NM_018942.3 (MANE Select); coding-DNA position 551, A replaced by T.
Protein change: p.Glu184Val; replaces glutamic acid 184 with valine.
Molecular consequence: missense variant. On other transcripts: intron variant (1).
Genome position (GRCh38, 1-based): chr4:8,868,189, T>A on the plus strand (A>T on the coding strand, the complement: HMX1 is on the minus strand). VCF-style: chr4-8868189-T-A. GRCh37 (hg19) VCF-style: chr4-8869915-T-A.
Other names: c.394+3032A>T (NM_001306142.2); short protein forms E184V.
Identifiers: ClinVar variation 1039178 (VCV001039178.6), dbSNP rs1348631046, ClinGen allele CA356278319.

ClinVar aggregate classification (germline): Uncertain significance (1 of 4 stars; one submission).

Allele frequency attached by ClinVar (database versions not stated): gnomAD 0.00001; gnomAD exomes 0.00001; TOPMed 0.00001.

Submission:

Labcorp Genetics (formerly Invitae), Labcorp
Classification: Uncertain significance. Last evaluated: 2023-10-03. Review status: criteria provided, single submitter. Criteria: Invitae Variant Classification Sherloc (09022015). Collection method: clinical testing. Allele origin: germline.
Comment: This sequence change replaces glutamic acid, which is acidic and polar, with valine, which is neutral and non-polar, at codon 184 of the HMX1 protein (p.Glu184Val). This variant is present in population databases (no rsID available, gnomAD 0.06%). This variant has not been reported in the literature in individuals affected with HMX1-related conditions. ClinVar contains an entry for this variant (Variation ID: 1039178). Advanced modeling of protein sequence and biophysical properties (such as structural, functional, and spatial information, amino acid conservation, physicochemical variation, residue mobility, and thermodynamic stability) performed at Invitae indicates that this missense variant is not expected to disrupt HMX1 protein function. In summary, the available evidence is currently insufficient to determine the role of this variant in disease. Therefore, it has been classified as a Variant of Uncertain Significance.